The following is an entry in ClinVar:

NM_005559.4(LAMA1):c.3364-6C>T

Gene: LAMA1 (laminin subunit alpha 1; minus strand). Cytogenetic location: 18p11.31.
Variant type: single nucleotide variant.
Coding change: c.3364-6C>T on transcript NM_005559.4 (MANE Select); 6 bases into the intron before coding-DNA position 3364, C replaced by T.
Molecular consequence: intron variant.
Genome position (GRCh38, 1-based): chr18:7,012,144, G>A on the plus strand (C>T on the coding strand, the complement: LAMA1 is on the minus strand). VCF-style: chr18-7012144-G-A. GRCh37 (hg19) VCF-style: chr18-7012143-G-A.
Identifiers: ClinVar variation 4874100 (VCV004874100.2).

ClinVar aggregate classification (germline): Uncertain significance (1 of 4 stars; one submission).

gnomAD v4.1: 3 of 1,613,822 alleles (0.00019%); highest among the groups gnomAD compares: Non-Finnish European, 0.00025%; no homozygotes.

Submission:

CeGaT Center for Human Genetics Tuebingen
Classification: Uncertain significance. Last evaluated: 2026-04-01. Review status: criteria provided, single submitter. Criteria: CeGaT Center For Human Genetics Tuebingen Variant Classification Criteria Version 2. Collection method: clinical testing. Allele origin: germline. Affected: yes. Observed: 1 variant allele.
Comment: LAMA1: PM2, BP4